The following is an entry in ClinVar:

ClinVar aggregate classification (germline): Uncertain significance (1 of 4 stars; one submission).

Allele frequency attached by ClinVar (database versions not stated): gnomAD exomes below 0.00001.

Submission:

Labcorp Genetics (formerly Invitae), Labcorp
Classification: Uncertain significance. Last evaluated: 2022-11-21. Review status: criteria provided, single submitter. Criteria: Invitae Variant Classification Sherloc (09022015). Collection method: clinical testing. Allele origin: germline.
Comment: This sequence change replaces threonine, which is neutral and polar, with alanine, which is neutral and non-polar, at codon 733 of the ACO2 protein (p.Thr733Ala). This variant is present in population databases (no rsID available, gnomAD 0.004%). This variant has not been reported in the literature in individuals affected with ACO2-related conditions. Advanced modeling of protein sequence and biophysical properties (such as structural, functional, and spatial information, amino acid conservation, physicochemical variation, residue mobility, and thermodynamic stability) performed at Invitae indicates that this missense variant is not expected to disrupt ACO2 protein function. In summary, the available evidence is currently insufficient to determine the role of this variant in disease. Therefore, it has been classified as a Variant of Uncertain Significance.

NM_001098.3(ACO2):c.2197A>G (p.Thr733Ala)

Genes: ACO2 (aconitase 2; plus strand), POLR3H (RNA polymerase III subunit H; minus strand). Cytogenetic location: 22q13.2.
Variant type: single nucleotide variant.
Coding change: c.2197A>G on transcript NM_001098.3 (MANE Select); coding-DNA position 2197, A replaced by G.
Protein change: p.Thr733Ala; replaces threonine 733 with alanine.
Molecular consequence: missense variant. On other transcripts: 3 prime UTR variant (5).
Genome position (GRCh38, 1-based): chr22:41,528,011, A>G. VCF-style: chr22-41528011-A-G. GRCh37 (hg19) VCF-style: chr22-41924015-A-G.
Other names: c.*1272T>C (NM_001282884.2, NM_001282885.2, NM_138338.5 and 2 more transcripts); short protein forms T733A.
Identifiers: ClinVar variation 2967127 (VCV002967127.3), dbSNP rs1268740279, ClinGen allele CA411729483.
Genomic context (GRCh38, chr22:41,528,011, plus strand): 5'-GCTGACTACAACAAGATTCACCCTGTGGACAAGCTGACCATTCAGGGCCTGAAGGACTTC[A>G]CCCCTGGCAAGGTTAGGGGCCCGGGTCCCCCTGAGGTGGTGGGGTGAGGGGCAGCCACCT-3'
Protein context (NP_001089.1, residues 723-743): KLTIQGLKDF[Thr733Ala]PGKPLKCIIK